The following is an entry in ClinVar:

NM_032043.3(BRIP1):c.2487T>G (p.Leu829=)

Gene: BRIP1 (BRCA1 interacting DNA helicase 1; minus strand). Cytogenetic location: 17q23.2.
Variant type: single nucleotide variant.
Coding change: c.2487T>G on transcript NM_032043.3 (MANE Select); coding-DNA position 2487, T replaced by G.
Protein change: p.Leu829=; no amino-acid change (leucine 829 retained).
Molecular consequence: synonymous variant.
Genome position (GRCh38, 1-based): chr17:61,715,956, A>C on the plus strand (T>G on the coding strand, the complement: BRIP1 is on the minus strand). VCF-style: chr17-61715956-A-C. GRCh37 (hg19) VCF-style: chr17-59793317-A-C.
Identifiers: ClinVar variation 3378903 (VCV003378903.1).

ClinVar aggregate classification (germline): Benign (1 of 4 stars; one submission).

Conditions:
Familial cancer of breast. Also called: hereditary breast carcinoma; Hereditary breast cancer; BREAST CANCER, FAMILIAL. Identifiers: Orphanet 227535, MedGen C0346153, MONDO:0016419, OMIM 114480. Disease mechanism: loss of function.

Submission:

Myriad Genetics, Inc.
Classification: Benign for Familial cancer of breast. Last evaluated: 2024-09-05. Review status: criteria provided, single submitter. Criteria: Myriad Autosomal Dominant, Autosomal Recessive and X-Linked Classification Criteria (2023). Collection method: clinical testing. Allele origin: unknown.
Comment: This variant is considered benign. This variant is a silent/synonymous amino acid change and it is not expected to impact splicing.